The following is an entry in ClinVar:

NM_023067.4(FOXL2):c.560G>A (p.Gly187Asp)

Gene: FOXL2 (forkhead box L2; minus strand). Cytogenetic location: 3q22.3.
Variant type: single nucleotide variant.
Coding change: c.560G>A on transcript NM_023067.4 (MANE Select); coding-DNA position 560, G replaced by A.
Protein change: p.Gly187Asp; replaces glycine 187 with aspartic acid.
Molecular consequence: missense variant.
Genome position (GRCh38, 1-based): chr3:138,946,163, C>T on the plus strand (G>A on the coding strand, the complement: FOXL2 is on the minus strand). VCF-style: chr3-138946163-C-T. GRCh37 (hg19) VCF-style: chr3-138665005-C-T.
Other names: short protein forms G187D.
Identifiers: ClinVar variation 4871 (VCV000004871.13), dbSNP rs121908359, ClinGen allele CA117109.

ClinVar aggregate classification (germline): Conflicting classifications of pathogenicity. Review status: criteria provided, conflicting classifications (1 of 4 stars). 7 submissions from 7 submitters: Likely pathogenic (1); Uncertain significance (2); Likely benign (2). 2 of the submissions do not count toward it. Last evaluated 2025-11-25.

Conditions:
Blepharophimosis, ptosis, and epicanthus inversus syndrome. Identifiers: Orphanet 126, MedGen C0220663, MONDO:0007201, OMIM 110100.
Premature ovarian failure 3 (POF3). Identifiers: MedGen C1837008, MONDO:0012169, OMIM 608996.

Allele frequency attached by ClinVar (database versions not stated): gnomAD exomes 0.00003 and 0.00005; TOPMed 0.00003; gnomAD 0.00001.

Submissions (7):

Labcorp Genetics (formerly Invitae), Labcorp
Classification: Uncertain significance. Last evaluated: 2025-11-25. Review status: criteria provided, single submitter. Criteria: Invitae Variant Classification Sherloc (09022015). Collection method: clinical testing. Allele origin: germline.
Comment: This sequence change replaces glycine, which is neutral and non-polar, with aspartic acid, which is acidic and polar, at codon 187 of the FOXL2 protein (p.Gly187Asp). This variant is present in population databases (rs121908359, gnomAD 0.007%). This missense change has been observed in individual(s) with primary ovarian insufficiency without blepharophimosis and/or sex reversal (PMID: 12161610, 19429596). ClinVar contains an entry for this variant (Variation ID: 4871). An algorithm developed to predict the effect of missense changes on protein structure and function (PolyPhen-2) suggests that this variant is likely to be disruptive. In summary, the available evidence is currently insufficient to determine the role of this variant in disease. Therefore, it has been classified as a Variant of Uncertain Significance.

Genomic Medicine Center of Excellence, King Faisal Specialist Hospital and Research Centre
Classification: Likely benign for Blepharophimosis, ptosis, and epicanthus inversus syndrome. Last evaluated: 2024-03-29. Review status: criteria provided, single submitter. Criteria: ACMG Guidelines, 2015. Collection method: clinical testing. Allele origin: germline.

Blueprint Genetics
Classification: Likely benign. Last evaluated: 2023-10-10. Review status: criteria provided, single submitter. Criteria: ACMG Guidelines, 2015. Collection method: clinical testing. Allele origin: germline.

Laboratorio de Genetica e Diagnostico Molecular, Hospital Israelita Albert Einstein
Classification: Uncertain significance. Last evaluated: 2020-04-17. Review status: criteria provided, single submitter. Criteria: ACMG Guidelines, 2015. Collection method: clinical testing. Allele origin: germline. Affected: yes.
Comment: ACMG classification criteria: PS3 support, PS4 support, PM2, PP2

Centre for Mendelian Genomics, University Medical Centre Ljubljana
Classification: Likely pathogenic for Premature ovarian failure 3. Last evaluated: 2019-07-10. Review status: criteria provided, single submitter. Criteria: ACMG Guidelines, 2015. Collection method: clinical testing. Allele origin: unknown. Affected: yes.
Comment: This variant was classified as: Likely pathogenic. The following ACMG criteria were applied in classifying this variant: PS3,PP2,PP3,PP5.

OMIM
Classification: Pathogenic for PREMATURE OVARIAN FAILURE 3. Last evaluated: 2009-07-01. Review status: no assertion criteria provided. Collection method: literature only. Allele origin: germline. Not counted in ClinVar's aggregate classification.

GeneReviews
No classification provided. Condition: Blepharophimosis, ptosis, and epicanthus inversus syndrome. Review status: no classification provided. Collection method: literature only. Allele origin: germline. Affected: yes. Not counted in ClinVar's aggregate classification.

Literature cited by the submitters: PubMed 12161610 (cited by Labcorp Genetics (formerly Invitae), Labcorp and OMIM); PubMed 19429596 (cited by Labcorp Genetics (formerly Invitae), Labcorp and OMIM); NCBI Bookshelf NBK1441 (cited by GeneReviews).